The following is an entry in ClinVar:

ClinVar aggregate classification (germline): Benign/Likely benign. Review status: criteria provided, multiple submitters, no conflicts (2 of 4 stars). 2 submissions from 2 submitters: Benign (1); Likely benign (1). Last evaluated 2024-10-02.

Conditions:
Familial cancer of breast. Also called: hereditary breast carcinoma; BREAST CANCER, FAMILIAL; Hereditary breast cancer. Identifiers: Orphanet 227535, MedGen C0346153, MONDO:0016419, OMIM 114480. Disease mechanism: loss of function.

Submissions (2):

Myriad Genetics, Inc.
Classification: Benign for Familial cancer of breast. Last evaluated: 2024-10-02. Review status: criteria provided, single submitter. Criteria: Myriad Autosomal Dominant, Autosomal Recessive and X-Linked Classification Criteria (2023). Collection method: clinical testing. Allele origin: unknown.
Comment: This variant is considered benign. This variant is a silent/synonymous amino acid change and it is not expected to impact splicing.

Labcorp Genetics (formerly Invitae), Labcorp
Classification: Likely benign for Familial cancer of breast. Last evaluated: 2024-02-02. Review status: criteria provided, single submitter. Criteria: Invitae Variant Classification Sherloc (09022015). Collection method: clinical testing. Allele origin: germline.

NM_007194.4(CHEK2):c.537A>G (p.Lys179=)

Gene: CHEK2 (checkpoint kinase 2; minus strand). Cytogenetic location: 22q12.1.
Variant type: single nucleotide variant.
Coding change: c.537A>G on transcript NM_007194.4 (MANE Select); coding-DNA position 537, A replaced by G.
Protein change: p.Lys179=; no amino-acid change (lysine 179 retained).
Molecular consequence: synonymous variant. On other transcripts: 5 prime UTR variant (2), intron variant (1).
Genome position (GRCh38, 1-based): chr22:28,725,032, T>C on the plus strand (A>G on the coding strand, the complement: CHEK2 is on the minus strand). VCF-style: chr22-28725032-T-C. GRCh37 (hg19) VCF-style: chr22-29121020-T-C.
Other names: c.666A>G, p.Lys222= (NM_001005735.3, NM_001438294.1); c.-241A>G (NM_001257387.3); c.-127A>G (NM_001437942.1); c.630A>G, p.Lys210= (NM_001438293.1, NM_001438295.1); c.537A>G, p.Lys179= (NM_145862.3); c.445-109A>G (NM_001349956.3).
Identifiers: ClinVar variation 1085521 (VCV001085521.11), dbSNP rs2146058652, ClinGen allele CA514168736.
Genomic context (GRCh38, chr22:28,725,032, plus strand): 5'-ATTACCTTTATTTCTGCTTAGTGACAGTGCAATTTCAGAATTGTTATTCAAAGGACGGCG[T>C]TTTCCTTTCCCTACAAGCTCTGTATTTACAAAGGTTCCATTGCCACTGTGATCTTCTATG-3'
Protein context (NP_009125.1, residues 169-189): FVNTELVGKG[Lys179=]RRPLNNNSEI